The following is an entry in ClinVar:

ClinVar aggregate classification (germline): Uncertain significance (1 of 4 stars; one submission).

Submission:

Department of Medical Genetics, Ordu University Medical School Training and Research Hospital
Classification: Uncertain significance. Last evaluated: 2026-07-28. Review status: criteria provided, single submitter. Criteria: ACMG Guidelines, 2015. Collection method: clinical testing. Allele origin: biparental. Observed: 1 variant allele, 1 homozygote.
Comment: The variant lies outside the canonical -1/-2 acceptor dinucleotide and no RNA data were available to assess a splicing effect. TP63-related disorders are predominantly autosomal dominant and are caused by missense and truncating variants, so a homozygous intronic change of unknown functional consequence does not correspond to an established disease mechanism; ClinGen has assigned TP63 a haploinsufficiency score of 1. Classified as uncertain significance.

NM_003722.5(TP63):c.1350-34_1350-23delinsGTGCTCACCATC

Gene: TP63 (tumor protein p63; plus strand). Cytogenetic location: 3q28.
Variant type: Indel.
Coding change: c.1350-34_1350-23delinsGTGCTCACCATC on transcript NM_003722.5 (MANE Select); 34 bases into the intron before coding-DNA position 1350 through 23 bases into the intron before coding-DNA position 1350, TTGCTCACCATT replaced by GTGCTCACCATC.
Molecular consequence: intron variant.
Genome position (GRCh38, 1-based): chr3:189,886,360-189,886,371, TTGCTCACCATT replaced by GTGCTCACCATC. VCF-style: chr3-189886360-TTGCTCACCATT-GTGCTCACCATC. GRCh37 (hg19) VCF-style: chr3-189604149-TTGCTCACCATT-GTGCTCACCATC.
Other names: c.1344-34_1344-23delinsGTGCTCACCATC (NM_001329964.2); c.1350-34_1350-23delinsGTGCTCACCATC (NM_001114978.2, NM_001329144.2); c.1338-34_1338-23delinsGTGCTCACCATC (NM_001329148.2); c.1068-34_1068-23delinsGTGCTCACCATC (NM_001114980.2, NM_001114981.2, NM_001329145.2); c.1056-34_1056-23delinsGTGCTCACCATC (NM_001329149.2); c.813-34_813-23delinsGTGCTCACCATC (NM_001329146.2); c.801-34_801-23delinsGTGCTCACCATC (NM_001329150.2).
Identifiers: ClinVar variation 4880493 (VCV004880493.1).